The following is an entry in ClinVar:

ClinVar aggregate classification (germline): Uncertain significance (1 of 4 stars; one submission).

Allele frequency attached by ClinVar (database versions not stated): gnomAD 0.00001; TOPMed 0.00001; ExAC 0.00002; 1000 Genomes Project 30x 0.00016; 1000 Genomes Project 0.00020.
gnomAD v4.1: 15 of 1,613,944 alleles (0.00093%); highest among the groups gnomAD compares: East Asian, 0.0067%; no homozygotes.

Submission:

GeneDx
Classification: Uncertain significance. Last evaluated: 2022-04-08. Review status: criteria provided, single submitter. Criteria: GeneDx Variant Classification Process June 2021. Collection method: clinical testing. Allele origin: germline. Affected: yes.
Comment: In silico analysis supports that this missense variant has a deleterious effect on protein structure/function; Has not been previously published as pathogenic or benign to our knowledge

NM_001394062.1(MACF1):c.18287G>A (p.Arg6096Gln)

Gene: MACF1 (microtubule actin crosslinking factor 1; plus strand). Cytogenetic location: 1p34.3.
Variant type: single nucleotide variant.
Coding change: c.18287G>A on transcript NM_001394062.1 (MANE Select); coding-DNA position 18287, G replaced by A.
Protein change: p.Arg6096Gln; replaces arginine 6096 with glutamine.
Molecular consequence: missense variant.
Genome position (GRCh38, 1-based): chr1:39,439,340, G>A. VCF-style: chr1-39439340-G-A. GRCh37 (hg19) VCF-style: chr1-39905012-G-A.
Other names: c.6365G>A, p.Arg2122Gln (NM_001397473.1); c.12110G>A, p.Arg4037Gln (NM_012090.5); short protein forms R2122Q, R4037Q, R6096Q.
Identifiers: ClinVar variation 1708627 (VCV001708627.2), dbSNP rs200319787, ClinGen allele CA783854.
Genomic context (GRCh38, chr1:39,439,340, plus strand): 5'-AGGATAAATTGGATCAAATGGTATTCTTCTGGGAGGACATCAAAGCTCGGGCTGAAGAAC[G>A]AGAAATCAAATTTCTTGATGTCCTTGAATTAGCAGAGAAGTTCTGGTATGACATGGCAGC-3'
Protein context (NP_001380991.1, residues 6086-6106): WEDIKARAEE[Arg6096Gln]EIKFLDVLEL